The following is an entry in ClinVar:

ClinVar aggregate classification (germline): Uncertain significance (1 of 4 stars; one submission).

Conditions:
Familial adenomatous polyposis 1 (FAP1). Also called: FAMILIAL ADENOMATOUS POLYPOSIS 1, ATTENUATED; POLYPOSIS, ADENOMATOUS INTESTINAL. Identifiers: MedGen C2713442, MONDO:0021056, OMIM 175100. Disease mechanism: loss of function.

Allele frequency attached by ClinVar (database versions not stated): gnomAD exomes 0.00001.

Submission:

Labcorp Genetics (formerly Invitae), Labcorp
Classification: Uncertain significance for Familial adenomatous polyposis 1. Last evaluated: 2025-12-21. Review status: criteria provided, single submitter. Criteria: Invitae Variant Classification Sherloc (09022015). Collection method: clinical testing. Allele origin: germline.
Comment: This variant occurs in a non-coding region of the APC gene. It does not change the encoded amino acid sequence of the APC protein. This variant is not present in population databases (gnomAD no frequency). This variant has not been reported in the literature in individuals affected with APC-related conditions. ClinVar contains an entry for this variant (Variation ID: 537697). Experimental studies and prediction algorithms are not available or were not evaluated, and the functional significance of this variant is currently unknown. In summary, the available evidence is currently insufficient to determine the role of this variant in disease. Therefore, it has been classified as a Variant of Uncertain Significance.

NC_000005.10:g.112707465C>A

Gene: APC (APC regulator of Wnt signaling pathway; plus strand). Cytogenetic location: 5q22.2.
Variant type: single nucleotide variant.
Genome position: GRCh38 VCF-style: chr5-112707465-C-A. GRCh37 (hg19) VCF-style: chr5-112043162-C-A.
Identifiers: ClinVar variation 537697 (VCV000537697.9), dbSNP rs1424887097, ClinGen allele CA658796601.